The following is an entry in ClinVar:

ClinVar aggregate classification (germline): Pathogenic/Likely pathogenic. Review status: criteria provided, multiple submitters, no conflicts (2 of 4 stars). 5 submissions from 5 submitters: Pathogenic (3); Likely pathogenic (1). 1 of the submissions does not count toward it. Last evaluated 2025-04-09.

Conditions:
TGM5-related disorder. Also called: TGM5-related condition.
Acral peeling skin syndrome. Also called: Peeling skin syndrome 2. Identifiers: Orphanet 263534, MedGen C1853354, MONDO:0012345, OMIM 609796.

Allele frequency attached by ClinVar (database versions not stated): TOPMed 0.00004; gnomAD exomes 0.00013 and 0.00027; gnomAD 0.00015; 1000 Genomes Project 0.00020; 1000 Genomes Project 30x 0.00031; ExAC 0.00045.
gnomAD v4.1: 211 of 1,613,780 alleles (0.013%); highest among the groups gnomAD compares: Non-Finnish European, 0.012%; no homozygotes.

Submissions (5):

GeneDx
Classification: Likely pathogenic. Last evaluated: 2025-04-09. Review status: criteria provided, single submitter. Criteria: GeneDx Variant Classification Process June 2021. Collection method: clinical testing. Allele origin: germline. Affected: yes.
Comment: In silico analysis supports that this missense variant has a deleterious effect on protein structure/function; This variant is associated with the following publications: (PMID: 22160262, 20164844, 26707537, 29242947, 22036214, 24628291, 29334134, 38590258)

Molecular Diagnostics Laboratory, M Health Fairview: University of Minnesota
Classification: Pathogenic for Acral peeling skin syndrome. Last evaluated: 2025-01-22. Review status: criteria provided, single submitter. Criteria: ACMG Guidelines, 2015. Collection method: clinical testing. Allele origin: germline. Affected: yes.

Blueprint Genetics
Classification: Pathogenic for TGM5-related disorders. Last evaluated: 2024-09-17. Review status: criteria provided, single submitter. Criteria: ACMG Guidelines, 2015. Collection method: clinical testing. Allele origin: germline. Affected: yes. Observed: 5 variant alleles.

Illumina Laboratory Services, Illumina
Classification: Pathogenic for Acral peeling skin syndrome. Last evaluated: 2019-01-11. Review status: criteria provided, single submitter. Criteria: ICSL Variant Classification Criteria 09 May 2019. Collection method: clinical testing. Allele origin: germline.
Comment: The TGM5 c.763T>C (p.Trp255Arg) missense variant has been reported in at least three studies in which it is found in a compound heterozygous state in a total of eight individuals, including two siblings, all affected with peeling skin syndrome, and in each case, in trans with the most common pathogenic variant (p.Gly113Cys) (Kiritsi et al. 2010; Szczecinska et al. 2014; Has et al. 2018) . The p.Trp255Arg variant was absent from 100 control chromosomes and is reported at a frequency of 0.000795 in the European (non-Finnish) population of the Exome Aggregation Consortium. The Trp255 residue is highly conserved. Functional studies by Kiritsi et al. (2014) demonstrated that the variant protein was restricted to a few skin cell layers in contrast to the more extensive localisation of the wild type protein. Structural modelling showed that the Trp255 residue lies in the core domain close to the catalytic site and that the variant induces significant conformational and electrostatic changes within the protein. Based on the collective evidence, the p.Trp255Arg variant is classified as pathogenic for peeling skin syndrome. This variant was observed by ICSL as part of a predisposition screen in an ostensibly healthy population.

OMIM
Classification: Pathogenic for PEELING SKIN SYNDROME 2. Last evaluated: 2010-06-01. Review status: no assertion criteria provided. Collection method: literature only. Allele origin: germline. Not counted in ClinVar's aggregate classification.

Literature cited by the submitters: PubMed 29242947 (cited by Illumina Laboratory Services, Illumina); PubMed 24628291 (cited by Illumina Laboratory Services, Illumina); PubMed 20164844 (cited by Illumina Laboratory Services, Illumina and OMIM).

NM_201631.4(TGM5):c.763T>C (p.Trp255Arg)

Gene: TGM5 (transglutaminase 5; minus strand). Cytogenetic location: 15q15.2.
Variant type: single nucleotide variant.
Coding change: c.763T>C on transcript NM_201631.4 (MANE Select); coding-DNA position 763, T replaced by C.
Protein change: p.Trp255Arg; replaces tryptophan 255 with arginine.
Molecular consequence: missense variant.
Genome position (GRCh38, 1-based): chr15:43,252,858, A>G on the plus strand (T>C on the coding strand, the complement: TGM5 is on the minus strand). VCF-style: chr15-43252858-A-G. GRCh37 (hg19) VCF-style: chr15-43545056-A-G.
Other names: p.Trp255Arg; c.517T>C, p.Trp173Arg (NM_004245.4); short protein forms W255R, W173R.
Identifiers: ClinVar variation 157568 (VCV000157568.8), dbSNP rs115677373, ClinGen allele CA170978.